The following is an entry in ClinVar:

ClinVar aggregate classification (germline): Conflicting classifications of pathogenicity. Review status: criteria provided, conflicting classifications (1 of 4 stars). 3 submissions from 3 submitters: Likely pathogenic (2); Uncertain significance (1). Last evaluated 2025-04-25.

Conditions:
Hereditary cancer-predisposing syndrome. Also called: Neoplastic Syndromes, Hereditary; Hereditary Cancer Syndrome; Tumor predisposition; Hereditary neoplastic syndrome. Identifiers: Orphanet 140162, MedGen C0027672, MeSH D009386, MONDO:0015356.
Cardiovascular phenotype. Identifiers: MedGen CN230736.
Neurofibromatosis, type 1 (NF1). Also called: VON RECKLINGHAUSEN DISEASE; NEUROFIBROMATOSIS, TYPE I, SOMATIC; Peripheral type neurofibromatosis; Neurofibromatosis, type I. Identifiers: Orphanet 636, MedGen C0027831, MONDO:0018975, OMIM 162200. Disease mechanism: loss of function.

Submissions (3):

Ambry Genetics
Classification: Likely pathogenic for Cardiovascular phenotype; Hereditary cancer-predisposing syndrome. Last evaluated: 2025-04-25. Review status: criteria provided, single submitter. Criteria: Ambry Variant Classification Scheme 2023. Collection method: clinical testing. Allele origin: germline.
Comment: The p.L216R variant (also known as c.647T>G), located in coding exon 6 of the NF1 gene, results from a T to G substitution at nucleotide position 647. The leucine at codon 216 is replaced by arginine, an amino acid with dissimilar properties. This variant was reported in individual(s) with features consistent with neurofibromatosis type 1 (Palma Milla C et al. Ann Hum Genet, 2018 Nov;82:425-436; Ambry internal data). Based on internal structural analysis, this variant is anticipated to result in a modest decrease in structural stability (Ambry internal data). This amino acid position is highly conserved in available vertebrate species. In addition, this alteration is predicted to be deleterious by in silico analysis. Based on the majority of available evidence to date, this variant is likely to be pathogenic.

Labcorp Genetics (formerly Invitae), Labcorp
Classification: Uncertain significance for Neurofibromatosis, type 1. Last evaluated: 2018-11-18. Review status: criteria provided, single submitter. Criteria: Invitae Variant Classification Sherloc (09022015). Collection method: clinical testing. Allele origin: germline.
Comment: This sequence change replaces leucine with arginine at codon 216 of the NF1 protein (p.Leu216Arg). The leucine residue is highly conserved and there is a moderate physicochemical difference between leucine and arginine. This variant is not present in population databases (ExAC no frequency). This variant has been reported in individuals in the Leiden Open-source Variation Database (PMID: 21520333). Algorithms developed to predict the effect of missense changes on protein structure and function are either unavailable or do not agree on the potential impact of this missense change (SIFT: "Deleterious"; PolyPhen-2: "Probably Damaging"; Align-GVGD: "Class C0"). This variant disrupts the p.Leu216 amino acid residue in NF1. Other variant(s) that disrupt this residue have been observed in affected individuals (PMID: 10712197, 17726231, 27617404), suggesting that it is a clinically significant residue. As a result, variants that disrupt this residue are likely to be causative of disease. In summary, the available evidence is currently insufficient to determine the role of this variant in disease. Therefore, it has been classified as a Variant of Uncertain Significance.

CeGaT Center for Human Genetics Tuebingen
Classification: Likely pathogenic. Last evaluated: 2017-07-01. Review status: criteria provided, single submitter. Criteria: CeGaT Center For Human Genetics Tuebingen Variant Classification Criteria Version 2. Collection method: clinical testing. Allele origin: germline. Affected: yes. Observed: 1 variant allele.

Literature cited by the submitters: PubMed 30014477 (cited by Ambry Genetics); PubMed 21520333 (cited by Labcorp Genetics (formerly Invitae), Labcorp); PubMed 10712197 (cited by Labcorp Genetics (formerly Invitae), Labcorp); PubMed 17726231 (cited by Labcorp Genetics (formerly Invitae), Labcorp); PubMed 27617404 (cited by Labcorp Genetics (formerly Invitae), Labcorp).

NM_001042492.3(NF1):c.647T>G (p.Leu216Arg)

Gene: NF1 (neurofibromin 1; plus strand). Cytogenetic location: 17q11.2.
Variant type: single nucleotide variant.
Coding change: c.647T>G on transcript NM_001042492.3 (MANE Select); coding-DNA position 647, T replaced by G.
Protein change: p.Leu216Arg; replaces leucine 216 with arginine.
Molecular consequence: missense variant.
Genome position (GRCh38, 1-based): chr17:31,181,482, T>G. VCF-style: chr17-31181482-T-G. GRCh37 (hg19) VCF-style: chr17-29508500-T-G.
Other names: c.647T>G, p.Leu216Arg (NM_000267.4, NM_001128147.3); short protein forms L216R.
Identifiers: ClinVar variation 648671 (VCV000648671.43), dbSNP rs199474756, ClinGen allele CA398989487.